The following is an entry in ClinVar:

NM_014714.4(IFT140):c.1271C>T (p.Pro424Leu)

Genes: IFT140 (intraflagellar transport 140; minus strand), LOC105371046 (uncharacterized LOC105371046; plus strand). Cytogenetic location: 16p13.3.
Variant type: single nucleotide variant.
Coding change: c.1271C>T on transcript NM_014714.4 (MANE Select); coding-DNA position 1271, C replaced by T.
Protein change: p.Pro424Leu; replaces proline 424 with leucine.
Molecular consequence: missense variant.
Genome position (GRCh38, 1-based): chr16:1,584,305, G>A on the plus strand (C>T on the coding strand, the complement: IFT140 is on the minus strand). VCF-style: chr16-1584305-G-A. GRCh37 (hg19) VCF-style: chr16-1634306-G-A.
Other names: short protein forms P424L.
Identifiers: ClinVar variation 943273 (VCV000943273.10), dbSNP rs780657545, ClinGen allele CA7814381.
Genomic context (GRCh38, chr16:1,584,305, plus strand): 5'-ATGTCGGTGCGCAGGCTGTGTGCGACCCCCGTGGACAGGAAGCACACATTCAGCAGACTC[G>A]GGGAGACCTGCATGGCGGCCACTTGCTGGTGGAAGTGTGACGACATGGCCCGCTCGCTGA-3'
Protein context (NP_055529.2, residues 414-434): HQQVAAMQVS[Pro424Leu]SLLNVCFLST

ClinVar aggregate classification (germline): Uncertain significance. Review status: criteria provided, multiple submitters, no conflicts (2 of 4 stars). 2 submissions from 2 submitters: Uncertain significance (2). Last evaluated 2023-05-25.

Conditions:
Saldino-Mainzer syndrome (SRTD9). Also called: Renal dysplasia, retinal pigmentary dystrophy, cerebellar ataxia and skeletal dysplasia; CONORENAL SYNDROME; short-rib thoracic dysplasia 9 with or without polydactyly; SHORT-RIB THORACIC DYSPLASIA 9 WITHOUT POLYDACTYLY. Identifiers: Orphanet 140969, MedGen C1849437, MONDO:0009964, OMIM 266920.

Allele frequency attached by ClinVar (database versions not stated): ExAC 0.00001; gnomAD exomes 0.00001 and 0.00004; gnomAD 0.00003 and 0.00004; TOPMed 0.00006.
gnomAD v4.1: 57 of 1,613,606 alleles (0.0035%); highest among the groups gnomAD compares: African/African-American, 0.0067%; no homozygotes.

Submissions (2):

Blueprint Genetics
Classification: Uncertain significance. Last evaluated: 2023-05-25. Review status: criteria provided, single submitter. Criteria: ACMG Guidelines, 2015. Collection method: clinical testing. Allele origin: germline.

Labcorp Genetics (formerly Invitae), Labcorp
Classification: Uncertain significance for Saldino-Mainzer syndrome. Last evaluated: 2022-03-03. Review status: criteria provided, single submitter. Criteria: Invitae Variant Classification Sherloc (09022015). Collection method: clinical testing. Allele origin: germline.
Comment: Algorithms developed to predict the effect of missense changes on protein structure and function are either unavailable or do not agree on the potential impact of this missense change (SIFT: "Deleterious"; PolyPhen-2: "Possibly Damaging"; Align-GVGD: "Class C15"). This sequence change replaces proline, which is neutral and non-polar, with leucine, which is neutral and non-polar, at codon 424 of the IFT140 protein (p.Pro424Leu). This variant is present in population databases (rs780657545, gnomAD 0.004%). This variant has not been reported in the literature in individuals affected with IFT140-related conditions. ClinVar contains an entry for this variant (Variation ID: 943273). In summary, the available evidence is currently insufficient to determine the role of this variant in disease. Therefore, it has been classified as a Variant of Uncertain Significance.